The following is an entry in ClinVar:

ClinVar aggregate classification (germline): Pathogenic (1 of 4 stars; one submission).

Conditions:
Familial cancer of breast. Also called: BREAST CANCER, FAMILIAL; hereditary breast carcinoma; Hereditary breast cancer. Identifiers: Orphanet 227535, MedGen C0346153, MONDO:0016419, OMIM 114480. Disease mechanism: loss of function.

Submission:

Labcorp Genetics (formerly Invitae), Labcorp
Classification: Pathogenic for Familial cancer of breast. Last evaluated: 2023-08-27. Review status: criteria provided, single submitter. Criteria: Invitae Variant Classification Sherloc (09022015). Collection method: clinical testing. Allele origin: germline.
Comment: For these reasons, this variant has been classified as Pathogenic. This variant disrupts a region of the PALB2 protein in which other variant(s) (p.Thr1136Lysfs*27) have been determined to be pathogenic (Invitae). This suggests that this is a clinically significant region of the protein, and that variants that disrupt it are likely to be disease-causing. This variant has not been reported in the literature in individuals affected with PALB2-related conditions. This variant is not present in population databases (gnomAD no frequency). This sequence change creates a premature translational stop signal (p.Ser1134Glnfs*4) in the PALB2 gene. While this is not anticipated to result in nonsense mediated decay, it is expected to disrupt the last 53 amino acid(s) of the PALB2 protein.

NM_024675.4(PALB2):c.3386_3399dup (p.Ser1134delinsGlnGlnSerTer)

Gene: PALB2 (partner and localizer of BRCA2; minus strand). Cytogenetic location: 16p12.2.
Variant type: Duplication.
Coding change: c.3386_3399dup on transcript NM_024675.4 (MANE Select); coding-DNA positions 3386 to 3399, 14 bases duplicated (CAGCAATCTTGACT).
Protein change: p.Ser1134delinsGlnGlnSerTer.
Molecular consequence: nonsense. On other transcripts: 3 prime UTR variant (5).
Genome position (GRCh38, 1-based): chr16:23,603,621-23,603,634, AGTCAAGATTGCTG duplicated on the plus strand (CAGCAATCTTGACT on the coding strand, the reverse complement: PALB2 is on the minus strand). VCF-style (leftmost placement, unchanged base first): chr16-23603620-A-AAGTCAAGATTGCTG. GRCh37 (hg19) VCF-style: chr16-23614941-A-AAGTCAAGATTGCTG.
Other names: c.3314_3327dup, p.Ser1110delinsGlnGlnSerTer (NM_001407297.1); c.3326_3339dup, p.Ser1114delinsGlnGlnSerTer (NM_001407296.1); c.3224_3237dup, p.Ser1080delinsGlnGlnSerTer (NM_001407298.1); c.3149_3162dup, p.Ser1055delinsGlnGlnSerTer (NM_001407299.1); c.3107_3120dup, p.Ser1041delinsGlnGlnSerTer (NM_001407300.1); c.*21_*34dup (NM_001407301.1, NM_001407302.1, NM_001407310.1 and 2 more transcripts); c.2501_2514dup, p.Ser839delinsGlnGlnSerTer (NM_001407304.1, NM_001407305.1, NM_001407306.1); c.2339_2352dup, p.Ser785delinsGlnGlnSerTer (NM_001407307.1); and 3 more.
Identifiers: ClinVar variation 2755471 (VCV002755471.3), dbSNP rs2506197384, ClinGen allele CA2697555782.